The following is an entry in ClinVar:

ClinVar aggregate classification (germline): Pathogenic (1 of 4 stars; one submission).

Conditions:
Parkinsonism-dystonia, infantile. Identifiers: Orphanet 238455, MedGen C2751067, MONDO:0013150.

Submission:

Labcorp Genetics (formerly Invitae), Labcorp
Classification: Pathogenic for Parkinsonism-dystonia, infantile. Last evaluated: 2019-11-10. Review status: criteria provided, single submitter. Criteria: Invitae Variant Classification Sherloc (09022015). Collection method: clinical testing. Allele origin: germline.
Comment: For these reasons, this variant has been classified as Pathogenic. Loss-of-function variants in SLC6A3 are known to be pathogenic (PMID: 21112253). This variant has not been reported in the literature in individuals with SLC6A3-related conditions. This variant is not present in population databases (ExAC no frequency). This sequence change creates a premature translational stop signal (p.Leu298*) in the SLC6A3 gene. It is expected to result in an absent or disrupted protein product.

Literature cited by the submitters: PubMed 21112253.

NM_001044.5(SLC6A3):c.892del (p.Tyr297_Leu298insTer)

Gene: SLC6A3 (solute carrier family 6 member 3). Cytogenetic location: 5p15.33.
Variant type: Deletion.
Coding change: c.892del on transcript NM_001044.5 (MANE Select); coding-DNA position 892, one base deleted.
Protein change: p.Tyr297_Leu298insTer.
Molecular consequence: nonsense.
Genome position: GRCh38 VCF-style: chr5-1420603-AG-A. GRCh37 (hg19) VCF-style: chr5-1420718-AG-A.
Identifiers: ClinVar variation 939537 (VCV000939537.8), dbSNP rs1756409749, ClinGen allele CA1139658728.
Genomic context (GRCh38, chr5:1,420,603, plus strand): 5'-TGAAGCAGTGAGCAGACTGTACTCACAGACGCCTCGCAGAGCCGGTAGAAGTCAACGCTC[AG>A]GTATGCTCTGATGCCGTCTATGGCTCCAGGGAGGGTGACCCCACGCAGGAGCAGGGCAGT-3'